The following is an entry in ClinVar:

ClinVar aggregate classification (germline): Uncertain significance (1 of 4 stars; one submission).

Conditions:
Hereditary cancer-predisposing syndrome. Also called: Neoplastic Syndromes, Hereditary; Tumor predisposition; Hereditary Cancer Syndrome; Hereditary neoplastic syndrome. Identifiers: Orphanet 140162, MedGen C0027672, MeSH D009386, MONDO:0015356.

Submission:

Ambry Genetics
Classification: Uncertain significance for Hereditary cancer-predisposing syndrome. Last evaluated: 2021-04-27. Review status: criteria provided, single submitter. Criteria: Ambry Variant Classification Scheme 2023. Collection method: clinical testing. Allele origin: germline.
Comment: The p.A127V variant (also known as c.380C>T), located in coding exon 4 of the MUTYH gene, results from a C to T substitution at nucleotide position 380. The alanine at codon 127 is replaced by valine, an amino acid with similar properties. This amino acid position is well conserved in available vertebrate species. In addition, the in silico prediction for this alteration is inconclusive. Since supporting evidence is limited at this time, the clinical significance of this alteration remains unclear.

NM_001048174.2(MUTYH):c.296C>T (p.Ala99Val)

Gene: MUTYH (mutY DNA glycosylase; minus strand). Cytogenetic location: 1p34.1.
Variant type: single nucleotide variant.
Coding change: c.296C>T on transcript NM_001048174.2 (MANE Select); coding-DNA position 296, C replaced by T.
Protein change: p.Ala99Val; replaces alanine 99 with valine.
Molecular consequence: missense variant. On other transcripts: non-coding transcript variant (2).
Genome position (GRCh38, 1-based): chr1:45,333,293, G>A on the plus strand (C>T on the coding strand, the complement: MUTYH is on the minus strand). VCF-style: chr1-45333293-G-A. GRCh37 (hg19) VCF-style: chr1-45798965-G-A.
Other names: c.296C>T, p.Ala99Val (NM_001048171.2, NM_001048173.2, NM_001293195.2 and 6 more transcripts); c.299C>T, p.Ala100Val (NM_001048172.2, NM_001407071.1, NM_001407078.1 and 2 more transcripts); c.380C>T, p.Ala127Val (NM_001128425.2); c.341C>T, p.Ala114Val (NM_001293190.2); c.329C>T, p.Ala110Val (NM_001293191.2, NM_001407077.1); c.20C>T, p.Ala7Val (NM_001293192.2, NM_001293196.2, NM_001407091.1); c.25C>T, p.His9Tyr (NM_001350650.2, NM_001350651.2, NM_001407082.1); c.371C>T, p.Ala124Val (NM_001407069.1, NM_012222.3); and 3 more; short protein forms A124V, A127V, A106V, A7V, H9Y, A100V, A113V, A114V.
Identifiers: ClinVar variation 1735139 (VCV001735139.2), dbSNP rs2524245472, ClinGen allele CA340136244.